The following is an entry in ClinVar:

NM_170606.3(KMT2C):c.2872G>A (p.Asp958Asn)

Gene: KMT2C (lysine methyltransferase 2C; minus strand). Cytogenetic location: 7q36.1.
Variant type: single nucleotide variant.
Coding change: c.2872G>A on transcript NM_170606.3 (MANE Select); coding-DNA position 2872, G replaced by A.
Protein change: p.Asp958Asn; replaces aspartic acid 958 with asparagine.
Molecular consequence: missense variant.
Genome position (GRCh38, 1-based): chr7:152,230,027, C>T on the plus strand (G>A on the coding strand, the complement: KMT2C is on the minus strand). VCF-style: chr7-152230027-C-T. GRCh37 (hg19) VCF-style: chr7-151927112-C-T.
Other names: short protein forms D958N.
Identifiers: ClinVar variation 3769716 (VCV003769716.1).

ClinVar aggregate classification (germline): Uncertain significance (1 of 4 stars; one submission).

Submission:

GeneDx
Classification: Uncertain significance. Last evaluated: 2024-09-17. Review status: criteria provided, single submitter. Criteria: GeneDx Variant Classification Process June 2021. Collection method: clinical testing. Allele origin: germline. Affected: yes.
Comment: Not observed at significant frequency in large population cohorts (gnomAD); In silico analysis supports that this missense variant has a deleterious effect on protein structure/function; Has not been previously published as pathogenic or benign to our knowledge